The following is an entry in ClinVar:

NM_006254.4(PRKCD):c.1176G>A (p.Glu392=)

Gene: PRKCD (protein kinase C delta; plus strand). Cytogenetic location: 3p21.1.
Variant type: single nucleotide variant.
Coding change: c.1176G>A on transcript NM_006254.4 (MANE Select); coding-DNA position 1176, G replaced by A.
Protein change: p.Glu392=; no amino-acid change (glutamic acid 392 retained).
Molecular consequence: synonymous variant.
Genome position (GRCh38, 1-based): chr3:53,186,256, G>A. VCF-style: chr3-53186256-G-A. GRCh37 (hg19) VCF-style: chr3-53220272-G-A.
Other names: c.1176G>A, p.Glu392= (LRG_1327t1, NM_001316327.2, NM_001354679.2 and 2 more transcripts); c.1233G>A, p.Glu411= (NM_001354676.2); c.1224G>A, p.Glu408= (NM_001354678.2).
Identifiers: ClinVar variation 474764 (VCV000474764.12), dbSNP rs782735766, ClinGen allele CA2452109.

ClinVar aggregate classification (germline): Likely benign. Review status: criteria provided, multiple submitters, no conflicts (2 of 4 stars). 4 submissions from 4 submitters: Likely benign (3). 1 of the submissions does not count toward it. Last evaluated 2026-09-01.

Conditions:
PRKCD-related disorder. Also called: PRKCD-related condition.
Autoimmune lymphoproliferative syndrome, type III caused by mutation in PRKCD. Identifiers: Orphanet 3261, Orphanet 664711, MedGen C3809928, MONDO:8000024, OMIM 615559.

Allele frequency attached by ClinVar (database versions not stated): gnomAD exomes below 0.00001 and 0.00001; TOPMed below 0.00001; ExAC 0.00001; gnomAD 0.00001.

Submissions (4):

CeGaT Center for Human Genetics Tuebingen
Classification: Likely benign. Last evaluated: 2026-09-01. Review status: criteria provided, single submitter. Criteria: CeGaT Center For Human Genetics Tuebingen Variant Classification Criteria Version 2. Collection method: clinical testing. Allele origin: germline. Affected: yes. Observed: 1 variant allele.
Comment: PRKCD: BP4, BP7

Labcorp Genetics (formerly Invitae), Labcorp
Classification: Likely benign for Autoimmune lymphoproliferative syndrome, type III caused by mutation in PRKCD. Last evaluated: 2025-08-21. Review status: criteria provided, single submitter. Criteria: Invitae Variant Classification Sherloc (09022015). Collection method: clinical testing. Allele origin: germline.

Breakthrough Genomics
Classification: Likely benign. Review status: criteria provided, single submitter. Criteria: ACMG Guidelines, 2015. Collection method: not provided. Allele origin: germline. Inheritance: Autosomal recessive inheritance. Affected: yes.

PreventionGenetics, part of Exact Sciences
Classification: Likely benign for PRKCD-related condition. Last evaluated: 2019-02-19. Review status: no assertion criteria provided. Collection method: clinical testing. Allele origin: germline. Not counted in ClinVar's aggregate classification.
Comment: This variant is classified as likely benign based on ACMG/AMP sequence variant interpretation guidelines (Richards et al. 2015 PMID: 25741868, with internal and published modifications).